The following is an entry in ClinVar:

ClinVar aggregate classification (germline): Uncertain significance (1 of 4 stars; one submission).

gnomAD v4.1: 2 of 1,612,744 alleles (0.00012%); highest among the groups gnomAD compares: Admixed American, 0.0017%; no homozygotes.

Submission:

Ambry Genetics
Classification: Uncertain significance. Last evaluated: 2024-06-23. Review status: criteria provided, single submitter. Criteria: Ambry Variant Classification Scheme 2023. Collection method: clinical testing. Allele origin: germline.
Comment: The p.E214Q variant (also known as c.640G>C), located in coding exon 7 of the PRKDC gene, results from a G to C substitution at nucleotide position 640. The glutamic acid at codon 214 is replaced by glutamine, an amino acid with highly similar properties. This amino acid position is conserved. In addition, this alteration is predicted to be tolerated by in silico analysis. Based on the available evidence, the clinical significance of this variant remains unclear.

NM_006904.7(PRKDC):c.640G>C (p.Glu214Gln)

Gene: PRKDC (protein kinase, DNA-activated, catalytic subunit; minus strand). Cytogenetic location: 8q11.21.
Variant type: single nucleotide variant.
Coding change: c.640G>C on transcript NM_006904.7 (MANE Select); coding-DNA position 640, G replaced by C.
Protein change: p.Glu214Gln; replaces glutamic acid 214 with glutamine.
Molecular consequence: missense variant.
Genome position (GRCh38, 1-based): chr8:47,953,701, C>G on the plus strand (G>C on the coding strand, the complement: PRKDC is on the minus strand). VCF-style: chr8-47953701-C-G. GRCh37 (hg19) VCF-style: chr8-48866261-C-G.
Other names: c.640G>C, p.Glu214Gln (NM_001081640.2); short protein forms E214Q.
Identifiers: ClinVar variation 3310193 (VCV003310193.1).
Genomic context (GRCh38, chr8:47,953,701, plus strand): 5'-AGTTGCACAGAAGTGAGGACAACCCCTTCAGACATCCTGCCAGAACAGGTAGTTTGGGCT[C>G]TCTTACTGCTGATGTCATCTAAAAGAAAAGATTTAAGAAGATGTCATTACAAGAGAAAAA-3'
Protein context (NP_008835.5, residues 204-224): LKTQMTSAVR[Glu214Gln]PKLPVLAGCL